The following is an entry in ClinVar:

ClinVar aggregate classification (germline): Uncertain significance (1 of 4 stars; one submission).

Conditions:
Sitosterolemia (STSL). Also called: PHYTOSTEROLEMIA. Identifiers: Orphanet 2882, MedGen C0342907, MONDO:0008863.

Submission:

Labcorp Genetics (formerly Invitae), Labcorp
Classification: Uncertain significance for Sitosterolemia. Last evaluated: 2022-09-06. Review status: criteria provided, single submitter. Criteria: Invitae Variant Classification Sherloc (09022015). Collection method: clinical testing. Allele origin: germline.
Comment: This variant is present in population databases (no rsID available, gnomAD 0.006%). In summary, the available evidence is currently insufficient to determine the role of this variant in disease. Therefore, it has been classified as a Variant of Uncertain Significance. Variants that disrupt the consensus splice site are a relatively common cause of aberrant splicing (PMID: 17576681, 9536098). Algorithms developed to predict the effect of sequence changes on RNA splicing suggest that this variant may disrupt the consensus splice site. This variant has not been reported in the literature in individuals affected with ABCG5-related conditions. This sequence change falls in intron 7 of the ABCG5 gene. It does not directly change the encoded amino acid sequence of the ABCG5 protein. It affects a nucleotide within the consensus splice site.

Literature cited by the submitters: PubMed 17576681; PubMed 9536098.

NM_022436.3(ABCG5):c.904+3_904+6del

Genes: ABCG5 (ATP binding cassette subfamily G member 5; minus strand), DYNC2LI1 (dynein cytoplasmic 2 light intermediate chain 1; plus strand). Cytogenetic location: 2p21.
Variant type: Deletion.
Coding change: c.904+3_904+6del on transcript NM_022436.3 (MANE Select); bases 3 to 6 of the intron after coding-DNA position 904, 4 bases deleted (AAGT; older notation c.904+3_904+6delAAGT).
Molecular consequence: splice donor variant. On other transcripts: intron variant (2).
Genome position (GRCh38, 1-based): chr2:43,824,883-43,824,886, ACTT deleted on the plus strand (AAGT on the coding strand, the reverse complement: ABCG5 is on the minus strand); deleting any 4 consecutive bases within chr2:43,824,883-43,824,889 gives the same sequence; the c. name uses the placement nearest the transcript's 3' end. VCF-style (leftmost placement, unchanged base first): chr2-43824882-AACTT-A. GRCh37 (hg19) VCF-style: chr2-44052021-AACTT-A.
Other names: c.*16-2500_*16-2497del (NM_001348913.2, NM_001348912.2).
Identifiers: ClinVar variation 1980073 (VCV001980073.3), dbSNP rs1167123880, ClinGen allele CA532273492.
Genomic context (GRCh38, chr2:43,824,882, plus strand): 5'-AGGCAGAAGTCTGAGATGAGAAAGTTTAAAAAACATTCATGATGGGGAATGTGAAAGAAA[AACTT>A]ACTATAGAAGTCAAAAGGGTTTGAATGTTCAGGACAAGGGTAACCGCAGTCATTGAAGAA-3'